The following is an entry in ClinVar:

NM_020461.4(TUBGCP6):c.1163C>T (p.Ala388Val)

Gene: TUBGCP6 (tubulin gamma complex component 6; minus strand). Cytogenetic location: 22q13.33.
Variant type: single nucleotide variant.
Coding change: c.1163C>T on transcript NM_020461.4 (MANE Select); coding-DNA position 1163, C replaced by T.
Protein change: p.Ala388Val; replaces alanine 388 with valine.
Molecular consequence: missense variant.
Genome position (GRCh38, 1-based): chr22:50,229,531, G>A on the plus strand (C>T on the coding strand, the complement: TUBGCP6 is on the minus strand). VCF-style: chr22-50229531-G-A. GRCh37 (hg19) VCF-style: chr22-50667960-G-A.
Other names: short protein forms A388V.
Identifiers: ClinVar variation 1432084 (VCV001432084.6), dbSNP rs773668112, ClinGen allele CA10308800.

ClinVar aggregate classification (germline): Uncertain significance (1 of 4 stars; one submission).

Allele frequency attached by ClinVar (database versions not stated): TOPMed below 0.00001; ExAC 0.00001; gnomAD 0.00001; gnomAD exomes 0.00001 and 0.00002.
gnomAD v4.1: 4 of 1,605,274 alleles (0.00025%); highest among the groups gnomAD compares: Admixed American, 0.0034%; no homozygotes.

Submission:

Labcorp Genetics (formerly Invitae), Labcorp
Classification: Uncertain significance. Last evaluated: 2022-07-12. Review status: criteria provided, single submitter. Criteria: Invitae Variant Classification Sherloc (09022015). Collection method: clinical testing. Allele origin: germline.
Comment: In summary, the available evidence is currently insufficient to determine the role of this variant in disease. Therefore, it has been classified as a Variant of Uncertain Significance. Algorithms developed to predict the effect of missense changes on protein structure and function (SIFT, PolyPhen-2, Align-GVGD) all suggest that this variant is likely to be tolerated. ClinVar contains an entry for this variant (Variation ID: 1432084). This variant has not been reported in the literature in individuals affected with TUBGCP6-related conditions. This variant is present in population databases (rs773668112, gnomAD 0.006%). This sequence change replaces alanine, which is neutral and non-polar, with valine, which is neutral and non-polar, at codon 388 of the TUBGCP6 protein (p.Ala388Val).